The following is an entry in ClinVar:

NM_001164508.2(NEB):c.2107A>G (p.Lys703Glu)

Gene: NEB (nebulin; minus strand). Cytogenetic location: 2q23.3.
Variant type: single nucleotide variant.
Coding change: c.2107A>G on transcript NM_001164508.2 (MANE Select); coding-DNA position 2107, A replaced by G.
Protein change: p.Lys703Glu; replaces lysine 703 with glutamic acid.
Molecular consequence: missense variant.
Genome position (GRCh38, 1-based): chr2:151,691,968, T>C on the plus strand (A>G on the coding strand, the complement: NEB is on the minus strand). VCF-style: chr2-151691968-T-C. GRCh37 (hg19) VCF-style: chr2-152548482-T-C.
Other names: c.2107A>G, p.Lys703Glu (NM_001164507.2, NM_001271208.2, NM_004543.5); short protein forms K703E.
Identifiers: ClinVar variation 2167983 (VCV002167983.4), dbSNP rs2552267760, ClinGen allele CA348823767.

ClinVar aggregate classification (germline): Uncertain significance (1 of 4 stars; one submission).

Conditions:
Nemaline myopathy 2 (NEM2). Also called: Nemaline myopathy 2, autosomal recessive. Identifiers: MedGen C1850569, MONDO:0009725, OMIM 256030.

Allele frequency attached by ClinVar (database versions not stated): gnomAD exomes below 0.00001.
gnomAD v4.1: 2 of 1,611,912 alleles (0.00012%); highest among the groups gnomAD compares: Non-Finnish European, 0.00017%; no homozygotes.

Submission:

Labcorp Genetics (formerly Invitae), Labcorp
Classification: Uncertain significance for Nemaline myopathy 2. Last evaluated: 2022-04-29. Review status: criteria provided, single submitter. Criteria: Invitae Variant Classification Sherloc (09022015). Collection method: clinical testing. Allele origin: germline.
Comment: In summary, the available evidence is currently insufficient to determine the role of this variant in disease. Therefore, it has been classified as a Variant of Uncertain Significance. Algorithms developed to predict the effect of missense changes on protein structure and function are either unavailable or do not agree on the potential impact of this missense change (SIFT: "Deleterious"; PolyPhen-2: "Not Available"; Align-GVGD: "Class C0"). This variant has not been reported in the literature in individuals affected with NEB-related conditions. This variant is not present in population databases (gnomAD no frequency). This sequence change replaces lysine, which is basic and polar, with glutamic acid, which is acidic and polar, at codon 703 of the NEB protein (p.Lys703Glu).